The following is an entry in ClinVar:

ClinVar aggregate classification (germline): Uncertain significance (1 of 4 stars; one submission).

Allele frequency attached by ClinVar (database versions not stated): gnomAD exomes below 0.00001.

Submission:

Labcorp Genetics (formerly Invitae), Labcorp
Classification: Uncertain significance. Last evaluated: 2025-08-13. Review status: criteria provided, single submitter. Criteria: Invitae Variant Classification Sherloc (09022015). Collection method: clinical testing. Allele origin: germline.
Comment: This sequence change replaces proline, which is neutral and non-polar, with arginine, which is basic and polar, at codon 29 of the C1S protein (p.Pro29Arg). This variant is not present in population databases (gnomAD no frequency). This variant has not been reported in the literature in individuals affected with C1S-related conditions. ClinVar contains an entry for this variant (Variation ID: 1497579). An algorithm developed to predict the effect of missense changes on protein structure and function (PolyPhen-2) suggests that this variant is likely to be disruptive. In summary, the available evidence is currently insufficient to determine the role of this variant in disease. Therefore, it has been classified as a Variant of Uncertain Significance.

NM_001734.5(C1S):c.86C>G (p.Pro29Arg)

Gene: C1S (complement C1s; plus strand). Cytogenetic location: 12p13.31.
Variant type: single nucleotide variant.
Coding change: c.86C>G on transcript NM_001734.5 (MANE Select); coding-DNA position 86, C replaced by G.
Protein change: p.Pro29Arg; replaces proline 29 with arginine.
Molecular consequence: missense variant. On other transcripts: intron variant (1).
Genome position (GRCh38, 1-based): chr12:7,062,555, C>G. VCF-style: chr12-7062555-C-G. GRCh37 (hg19) VCF-style: chr12-7169859-C-G.
Other names: c.86C>G, p.Pro29Arg (NM_201442.4); c.-288-335C>G (NM_001346850.2); short protein forms P29R.
Identifiers: ClinVar variation 1497579 (VCV001497579.6), dbSNP rs915348733, ClinGen allele CA232451125.